The following is an entry in ClinVar:

NM_000138.5(FBN1):c.5716del (p.Arg1906fs)

Gene: FBN1 (fibrillin 1; minus strand). Cytogenetic location: 15q21.1.
Variant type: Deletion.
Coding change: c.5716del on transcript NM_000138.5 (MANE Select); coding-DNA position 5716, one base deleted (C; older notation c.5716delC).
Protein change: p.Arg1906fs; shifts the reading frame from arginine 1906.
Molecular consequence: frameshift variant.
Genome position (GRCh38, 1-based): chr15:48,446,778, G deleted on the plus strand (C on the coding strand, the reverse complement: FBN1 is on the minus strand); the first of 2 consecutive G bases (chr15:48,446,778-48,446,779); deleting either gives the same sequence. VCF-style (leftmost placement, unchanged base first): chr15-48446777-CG-C. GRCh37 (hg19) VCF-style: chr15-48738974-CG-C.
Other names: short protein forms R1906fs.
Identifiers: ClinVar variation 1069412 (VCV001069412.7), dbSNP rs2141250394, ClinGen allele CA2499222980.

ClinVar aggregate classification (germline): Pathogenic (1 of 4 stars; one submission).

Conditions:
Familial thoracic aortic aneurysm and aortic dissection (TAAD). Also called: Thoracic aortic aneurysms and dissections. Identifiers: Orphanet 91387, MedGen C4707243, MONDO:0019625.
Marfan syndrome (MFS). Also called: Marfan syndrome type 1; Marfan's syndrome; Marfan syndrome, classic; MARFAN SYNDROME, TYPE I; FBN1-Related Marfan Syndrome. Identifiers: Orphanet 284963, Orphanet 558, MedGen C0024796, MONDO:0007947, OMIM 154700.

Submission:

Labcorp Genetics (formerly Invitae), Labcorp
Classification: Pathogenic for Marfan syndrome; Familial thoracic aortic aneurysm and aortic dissection. Last evaluated: 2020-05-04. Review status: criteria provided, single submitter. Criteria: Invitae Variant Classification Sherloc (09022015). Collection method: clinical testing. Allele origin: germline.
Comment: This sequence change creates a premature translational stop signal (p.Arg1906Glyfs*24) in the FBN1 gene. It is expected to result in an absent or disrupted protein product. This variant is not present in population databases (ExAC no frequency). This variant has not been reported in the literature in individuals with FBN1-related conditions. Loss-of-function variants in FBN1 are known to be pathogenic (PMID: 17657824, 19293843). For these reasons, this variant has been classified as Pathogenic.

Literature cited by the submitters: PubMed 17657824; PubMed 19293843.